The following is an entry in ClinVar:

NM_018136.5(ASPM):c.5860C>G (p.Leu1954Val)

Gene: ASPM (assembly factor for spindle microtubules; minus strand). Cytogenetic location: 1q31.3.
Variant type: single nucleotide variant.
Coding change: c.5860C>G on transcript NM_018136.5 (MANE Select); coding-DNA position 5860, C replaced by G.
Protein change: p.Leu1954Val; replaces leucine 1954 with valine.
Molecular consequence: missense variant. On other transcripts: intron variant (1).
Genome position (GRCh38, 1-based): chr1:197,103,391, G>C on the plus strand (C>G on the coding strand, the complement: ASPM is on the minus strand). VCF-style: chr1-197103391-G-C. GRCh37 (hg19) VCF-style: chr1-197072521-G-C.
Other names: c.4066-7227C>G (NM_001206846.2); short protein forms L1954V.
Identifiers: ClinVar variation 1520160 (VCV001520160.3), dbSNP rs781446128, ClinGen allele CA1309676.

ClinVar aggregate classification (germline): Uncertain significance (1 of 4 stars; one submission).

Allele frequency attached by ClinVar (database versions not stated): TOPMed below 0.00001; ExAC 0.00001; gnomAD exomes 0.00001 and 0.00002.
gnomAD v4.1: 5 of 1,613,270 alleles (0.00031%); highest among the groups gnomAD compares: Admixed American, 0.0083%; no homozygotes.

Submission:

Labcorp Genetics (formerly Invitae), Labcorp
Classification: Uncertain significance. Last evaluated: 2022-10-17. Review status: criteria provided, single submitter. Criteria: Invitae Variant Classification Sherloc (09022015). Collection method: clinical testing. Allele origin: germline.
Comment: This sequence change replaces leucine, which is neutral and non-polar, with valine, which is neutral and non-polar, at codon 1954 of the ASPM protein (p.Leu1954Val). This variant is present in population databases (rs781446128, gnomAD 0.01%). This variant has not been reported in the literature in individuals affected with ASPM-related conditions. ClinVar contains an entry for this variant (Variation ID: 1520160). Advanced modeling of protein sequence and biophysical properties (such as structural, functional, and spatial information, amino acid conservation, physicochemical variation, residue mobility, and thermodynamic stability) performed at Invitae indicates that this missense variant is not expected to disrupt ASPM protein function. In summary, the available evidence is currently insufficient to determine the role of this variant in disease. Therefore, it has been classified as a Variant of Uncertain Significance.